The following is an entry in ClinVar:

NM_001113378.2(FANCI):c.1399G>T (p.Val467Phe)

Gene: FANCI (FA complementation group I; plus strand). Cytogenetic location: 15q26.1.
Variant type: single nucleotide variant.
Coding change: c.1399G>T on transcript NM_001113378.2 (MANE Select); coding-DNA position 1399, G replaced by T.
Protein change: p.Val467Phe; replaces valine 467 with phenylalanine.
Molecular consequence: missense variant.
Genome position (GRCh38, 1-based): chr15:89,281,187, G>T. VCF-style: chr15-89281187-G-T. GRCh37 (hg19) VCF-style: chr15-89824418-G-T.
Other names: c.1120G>T, p.Val374Phe (NM_001376910.1); c.1399G>T, p.Val467Phe (NM_001376911.1, NM_018193.3); short protein forms V374F, V467F.
Identifiers: ClinVar variation 3701589 (VCV003701589.2).

ClinVar aggregate classification (germline): Uncertain significance (1 of 4 stars; one submission).

Conditions:
Fanconi anemia (FA). Also called: Fanconi's anemia. Identifiers: Orphanet 84, MedGen C0015625, MeSH D005199, MONDO:0019391.

gnomAD v4.1: 7 of 1,613,432 alleles (0.00043%); highest among the groups gnomAD compares: Non-Finnish European, 0.00042%; no homozygotes.

Submission:

Labcorp Genetics (formerly Invitae), Labcorp
Classification: Uncertain significance for Fanconi anemia. Last evaluated: 2024-10-30. Review status: criteria provided, single submitter. Criteria: Invitae Variant Classification Sherloc (09022015). Collection method: clinical testing. Allele origin: germline.
Comment: This sequence change replaces valine, which is neutral and non-polar, with phenylalanine, which is neutral and non-polar, at codon 467 of the FANCI protein (p.Val467Phe). This variant is not present in population databases (gnomAD no frequency). This variant has not been reported in the literature in individuals affected with FANCI-related conditions. Invitae Evidence Modeling of protein sequence and biophysical properties (such as structural, functional, and spatial information, amino acid conservation, physicochemical variation, residue mobility, and thermodynamic stability) indicates that this missense variant is expected to disrupt FANCI protein function with a positive predictive value of 80%. In summary, the available evidence is currently insufficient to determine the role of this variant in disease. Therefore, it has been classified as a Variant of Uncertain Significance.